The following is an entry in ClinVar:

ClinVar aggregate classification (germline): Uncertain significance. Review status: criteria provided, multiple submitters, no conflicts (2 of 4 stars). 2 submissions from 2 submitters: Uncertain significance (2). Last evaluated 2026-03-10.

Conditions:
Inborn genetic diseases. Identifiers: MedGen C0950123, MeSH D030342.
MKS1-related disorder. Also called: MKS1-related condition; MKS1-related disorders. Identifiers: MedGen CN239382.

gnomAD v4.1: 14 of 1,613,436 alleles (0.00087%); highest among the groups gnomAD compares: Admixed American, 0.0033%; no homozygotes.

Submissions (2):

PreventionGenetics, part of Exact Sciences
Classification: Uncertain significance for MKS1-related condition. Last evaluated: 2026-03-10. Review status: criteria provided, single submitter. Criteria: ACMG Guidelines, 2015. Collection method: clinical testing. Allele origin: germline.
Comment: The MKS1 c.539G>A variant is predicted to result in the amino acid substitution p.Arg180His. To our knowledge, this variant has not been reported in the literature. This variant is reported in 0.0033% of alleles in individuals of South Asian descent in gnomAD. At this time, the clinical significance of this variant is uncertain due to the absence of conclusive functional and genetic evidence.

Ambry Genetics
Classification: Uncertain significance for Inborn genetic diseases. Last evaluated: 2025-10-18. Review status: criteria provided, single submitter. Criteria: Ambry Variant Classification Scheme 2023. Collection method: clinical testing. Allele origin: germline.

NM_017777.4(MKS1):c.539G>A (p.Arg180His)

Gene: MKS1 (MKS transition zone complex subunit 1; minus strand). Cytogenetic location: 17q22.
Variant type: single nucleotide variant.
Coding change: c.539G>A on transcript NM_017777.4 (MANE Select); coding-DNA position 539, G replaced by A.
Protein change: p.Arg180His; replaces arginine 180 with histidine.
Molecular consequence: missense variant. On other transcripts: 5 prime UTR variant (1).
Genome position (GRCh38, 1-based): chr17:58,214,364, C>T on the plus strand (G>A on the coding strand, the complement: MKS1 is on the minus strand). VCF-style: chr17-58214364-C-T. GRCh37 (hg19) VCF-style: chr17-56291725-C-T.
Other names: c.-71G>A (NM_001321268.2); c.539G>A, p.Arg180His (NM_001321269.2, NM_001330397.2, NM_001411113.1); short protein forms R180H.
Identifiers: ClinVar variation 4625035 (VCV004625035.2).